The following is an entry in ClinVar:

ClinVar aggregate classification (germline): Uncertain significance. Review status: criteria provided, multiple submitters, no conflicts (2 of 4 stars). 5 submissions from 5 submitters: Uncertain significance (4). 1 of the submissions does not count toward it. Last evaluated 2026-05-12.

Conditions:
Cohen syndrome (COH1). Also called: PEPPER SYNDROME; Cutis verticis gyrata, retinitis pigmentosa, and sensorineural deafness. Identifiers: Orphanet 193, MedGen C0265223, MONDO:0008999, OMIM 216550.
VPS13B-related disorder. Also called: VPS13B-related condition.
Inborn genetic diseases. Identifiers: MedGen C0950123, MeSH D030342.

Allele frequency attached by ClinVar (database versions not stated): gnomAD exomes below 0.00001.
gnomAD v4.1: 2 of 1,614,028 alleles (0.00012%); highest among the groups gnomAD compares: African/African-American, 0.0013%; no homozygotes.

Submissions (5):

PreventionGenetics, part of Exact Sciences
Classification: Uncertain significance for VPS13B-related condition. Last evaluated: 2026-05-12. Review status: criteria provided, single submitter. Criteria: ACMG Guidelines, 2015. Collection method: clinical testing. Allele origin: germline.
Comment: The VPS13B c.8077C>T variant is predicted to result in the amino acid substitution p.Leu2693Phe. To our knowledge, this variant has not been reported in the literature or in a large population database (gnomAD), indicating this variant is rare. At this time, the clinical significance of this variant is uncertain due to the absence of conclusive functional and genetic evidence.

Labcorp Genetics (formerly Invitae), Labcorp
Classification: Uncertain significance for Cohen syndrome. Last evaluated: 2022-07-05. Review status: criteria provided, single submitter. Criteria: Invitae Variant Classification Sherloc (09022015). Collection method: clinical testing. Allele origin: germline.
Comment: This sequence change replaces leucine, which is neutral and non-polar, with phenylalanine, which is neutral and non-polar, at codon 2718 of the VPS13B protein (p.Leu2718Phe). This variant is not present in population databases (gnomAD no frequency). This variant has not been reported in the literature in individuals affected with VPS13B-related conditions. ClinVar contains an entry for this variant (Variation ID: 999499). Algorithms developed to predict the effect of missense changes on protein structure and function are either unavailable or do not agree on the potential impact of this missense change (SIFT: "Not Available"; PolyPhen-2: "Possibly Damaging"; Align-GVGD: "Not Available"). In summary, the available evidence is currently insufficient to determine the role of this variant in disease. Therefore, it has been classified as a Variant of Uncertain Significance.

Blueprint Genetics
Classification: Uncertain significance. Last evaluated: 2022-01-29. Review status: criteria provided, single submitter. Criteria: ACMG Guidelines, 2015. Collection method: clinical testing. Allele origin: germline.

Ambry Genetics
Classification: Uncertain significance for Inborn genetic diseases. Last evaluated: 2020-03-30. Review status: criteria provided, single submitter. Criteria: Ambry Variant Classification Scheme 2023. Collection method: clinical testing. Allele origin: germline.
Comment: The p.L2718F variant (also known as c.8152C>T), located in coding exon 43 of the VPS13B gene, results from a C to T substitution at nucleotide position 8152. The leucine at codon 2718 is replaced by phenylalanine, an amino acid with highly similar properties. This amino acid position is highly conserved in available vertebrate species. In addition, this alteration is predicted to be tolerated by in silico analysis. Since supporting evidence is limited at this time, the clinical significance of this alteration remains unclear.

Natera, Inc.
Classification: Uncertain significance for Cohen syndrome. Last evaluated: 2020-02-13. Review status: no assertion criteria provided. Collection method: clinical testing. Allele origin: germline. Not counted in ClinVar's aggregate classification.

NM_152564.5(VPS13B):c.8077C>T (p.Leu2693Phe)

Gene: VPS13B (vacuolar protein sorting 13 homolog B; plus strand). Cytogenetic location: 8q22.2.
Variant type: single nucleotide variant.
Coding change: c.8077C>T on transcript NM_152564.5 (MANE Select); coding-DNA position 8077, C replaced by T.
Protein change: p.Leu2693Phe; replaces leucine 2693 with phenylalanine.
Molecular consequence: missense variant.
Genome position (GRCh38, 1-based): chr8:99,809,510, C>T. VCF-style: chr8-99809510-C-T. GRCh37 (hg19) VCF-style: chr8-100821738-C-T.
Other names: c.8152C>T (NM_017890.3); c.8152C>T, p.Leu2718Phe (NM_017890.5); c.8077C>T (NM_152564.4); short protein forms L2693F, L2718F.
Identifiers: ClinVar variation 999499 (VCV000999499.12), dbSNP rs984666923, ClinGen allele CA182322411.